The following is an entry in ClinVar:

NM_001353345.2(SETD1B):c.2115G>C (p.Met705Ile)

Gene: SETD1B (SET domain containing 1B, histone lysine methyltransferase; plus strand). Cytogenetic location: 12q24.31.
Variant type: single nucleotide variant.
Coding change: c.2115G>C on transcript NM_001353345.2 (MANE Select); coding-DNA position 2115, G replaced by C.
Protein change: p.Met705Ile; replaces methionine 705 with isoleucine.
Molecular consequence: missense variant.
Genome position (GRCh38, 1-based): chr12:121,814,330, G>C. VCF-style: chr12-121814330-G-C. GRCh37 (hg19) VCF-style: chr12-122252236-G-C.
Other names: short protein forms M705I.
Identifiers: ClinVar variation 4882730 (VCV004882730.2).
Genomic context (GRCh38, chr12:121,814,330, plus strand): 5'-TGGCTTCCCCCCGCTGCCCCCCCCACCACCACCACCCCCACCGCAGCCTGGCTTCCCCAT[G>C]CCCCCACCGCTGCCCCCACCGCCGCCCCCACCCCCTCCAGCCCACCCTGCTGTGACAGTG-3'
Protein context (NP_001340274.1, residues 695-715): PPPPPQPGFP[Met705Ile]PPPLPPPPPP

ClinVar aggregate classification (germline): Uncertain significance (1 of 4 stars; one submission).

Conditions:
Complex neurodevelopmental disorder. Identifiers: Orphanet 528084, MedGen C5568766, MONDO:0100038.

gnomAD v4.1: 1 of 710,066 alleles (0.00014%); highest among the groups gnomAD compares: Admixed American, 0.0037%; no homozygotes.

Submission:

Dasa
Classification: Uncertain significance for Complex neurodevelopmental disorder. Last evaluated: 2026-01-29. Review status: criteria provided, single submitter. Criteria: DASA Assertion Criteria. Collection method: clinical testing. Allele origin: germline.
Comment: NM_001353345.2(SETD1B):c.2115G>C (p.Met705Ile) is a missense variant that results in the substitution of methionine with isoleucine. This variant is rare in population databases. The currently available literature and clinical evidence are not sufficient to establish a definitive association between this variant and the reported condition. Therefore, this variant is classified as a variant of uncertain significance.